The following is an entry in ClinVar:

ClinVar aggregate classification (germline): Uncertain significance (1 of 4 stars; one submission).

Conditions:
LAMA2-related muscular dystrophy (LAMA2-RD). Also called: Laminin alpha 2-related dystrophy. Identifiers: MedGen C5679788, MONDO:0100228.

Allele frequency attached by ClinVar (database versions not stated): TOPMed below 0.00001.

Submission:

Labcorp Genetics (formerly Invitae), Labcorp
Classification: Uncertain significance for LAMA2-related muscular dystrophy. Last evaluated: 2022-02-04. Review status: criteria provided, single submitter. Criteria: Invitae Variant Classification Sherloc (09022015). Collection method: clinical testing. Allele origin: germline.
Comment: In summary, the available evidence is currently insufficient to determine the role of this variant in disease. Therefore, it has been classified as a Variant of Uncertain Significance. Advanced modeling of protein sequence and biophysical properties (such as structural, functional, and spatial information, amino acid conservation, physicochemical variation, residue mobility, and thermodynamic stability) performed at Invitae indicates that this missense variant is not expected to disrupt LAMA2 protein function. This variant has not been reported in the literature in individuals affected with LAMA2-related conditions. This variant is not present in population databases (gnomAD no frequency). This sequence change replaces arginine, which is basic and polar, with serine, which is neutral and polar, at codon 3089 of the LAMA2 protein (p.Arg3089Ser).

NM_000426.4(LAMA2):c.9267A>T (p.Arg3089Ser)

Gene: LAMA2 (laminin subunit alpha 2; plus strand). Cytogenetic location: 6q22.33.
Variant type: single nucleotide variant.
Coding change: c.9267A>T on transcript NM_000426.4 (MANE Select); coding-DNA position 9267, A replaced by T.
Protein change: p.Arg3089Ser; replaces arginine 3089 with serine.
Molecular consequence: missense variant.
Genome position (GRCh38, 1-based): chr6:129,516,245, A>T. VCF-style: chr6-129516245-A-T. GRCh37 (hg19) VCF-style: chr6-129837390-A-T.
Other names: c.9255A>T, p.Arg3085Ser (NM_001079823.2); short protein forms R3085S, R3089S.
Identifiers: ClinVar variation 1509345 (VCV001509345.8), dbSNP rs1363131463, ClinGen allele CA365637295.
Genomic context (GRCh38, chr6:129,516,245, plus strand): 5'-TTCAGATGACCTCAAGCAGTTTGGCCTAACAACCAGTATTCCGTTCCGAGGTTGCATCAG[A>T]TCCCTGAAGCTCACCAAAGGCACAGGCAAGCCACTGGAGGTTAATTTTGCCAAGGCCCTG-3'
Protein context (NP_000417.3, residues 3079-3099): TTSIPFRGCI[Arg3089Ser]SLKLTKGTGK